The following is an entry in ClinVar:

NM_004525.3(LRP2):c.11861G>T (p.Gly3954Val)

Gene: LRP2 (LDL receptor related protein 2; minus strand). Cytogenetic location: 2q31.1.
Variant type: single nucleotide variant.
Coding change: c.11861G>T on transcript NM_004525.3 (MANE Select); coding-DNA position 11861, G replaced by T.
Protein change: p.Gly3954Val; replaces glycine 3954 with valine.
Molecular consequence: missense variant.
Genome position (GRCh38, 1-based): chr2:169,162,498, C>A on the plus strand (G>T on the coding strand, the complement: LRP2 is on the minus strand). VCF-style: chr2-169162498-C-A. GRCh37 (hg19) VCF-style: chr2-170019008-C-A.
Other names: short protein forms G3954V.
Identifiers: ClinVar variation 1947268 (VCV001947268.5), dbSNP rs1686625492, ClinGen allele CA349139793.

ClinVar aggregate classification (germline): Uncertain significance (1 of 4 stars; one submission).

Submission:

Labcorp Genetics (formerly Invitae), Labcorp
Classification: Uncertain significance. Last evaluated: 2022-01-21. Review status: criteria provided, single submitter. Criteria: Invitae Variant Classification Sherloc (09022015). Collection method: clinical testing. Allele origin: germline.
Comment: In summary, the available evidence is currently insufficient to determine the role of this variant in disease. Therefore, it has been classified as a Variant of Uncertain Significance. Algorithms developed to predict the effect of missense changes on protein structure and function (SIFT, PolyPhen-2, Align-GVGD) all suggest that this variant is likely to be disruptive. This variant has not been reported in the literature in individuals affected with LRP2-related conditions. This variant is not present in population databases (gnomAD no frequency). This sequence change replaces glycine, which is neutral and non-polar, with valine, which is neutral and non-polar, at codon 3954 of the LRP2 protein (p.Gly3954Val).